The following is an entry in ClinVar:

ClinVar aggregate classification (germline): Uncertain significance. Review status: criteria provided, multiple submitters, no conflicts (2 of 4 stars). 2 submissions from 2 submitters: Uncertain significance (2). Last evaluated 2025-05-27.

Conditions:
IFT172-related disorder. Also called: IFT172-related disorders; IFT172-related condition.
Short-rib thoracic dysplasia 10 with or without polydactyly (SRTD10). Identifiers: Orphanet 474, MedGen C3810175, MONDO:0014284, OMIM 615630.
Retinitis pigmentosa 71 (RP71). Identifiers: Orphanet 791, MedGen C4225342, MONDO:0014618, OMIM 616394.

Allele frequency attached by ClinVar (database versions not stated): ExAC 0.00001; gnomAD 0.00001; gnomAD exomes 0.00001; TOPMed 0.00002.
gnomAD v4.1: 5 of 1,611,772 alleles (0.00031%); highest among the groups gnomAD compares: African/African-American, 0.0053%; no homozygotes.

Submissions (2):

PreventionGenetics, part of Exact Sciences
Classification: Uncertain significance for IFT172-related condition. Last evaluated: 2025-05-27. Review status: criteria provided, single submitter. Criteria: ACMG Guidelines, 2015. Collection method: clinical testing. Allele origin: germline.
Comment: The IFT172 c.5A>C variant is predicted to result in the amino acid substitution p.His2Pro. To our knowledge, this variant has not been reported in the literature. This variant is reported in 0.020% of alleles in individuals of African descent in gnomAD. At this time, the clinical significance of this variant is uncertain due to the absence of conclusive functional and genetic evidence.

Labcorp Genetics (formerly Invitae), Labcorp
Classification: Uncertain significance for Retinitis pigmentosa 71; Short-rib thoracic dysplasia 10 with or without polydactyly. Last evaluated: 2022-09-27. Review status: criteria provided, single submitter. Criteria: Invitae Variant Classification Sherloc (09022015). Collection method: clinical testing. Allele origin: germline.
Comment: This sequence change replaces histidine, which is basic and polar, with proline, which is neutral and non-polar, at codon 2 of the IFT172 protein (p.His2Pro). This variant is present in population databases (rs781257867, gnomAD 0.02%). This variant has not been reported in the literature in individuals affected with IFT172-related conditions. ClinVar contains an entry for this variant (Variation ID: 998540). Advanced modeling of protein sequence and biophysical properties (such as structural, functional, and spatial information, amino acid conservation, physicochemical variation, residue mobility, and thermodynamic stability) performed at Invitae indicates that this missense variant is not expected to disrupt IFT172 protein function. In summary, the available evidence is currently insufficient to determine the role of this variant in disease. Therefore, it has been classified as a Variant of Uncertain Significance.

NM_015662.3(IFT172):c.5A>C (p.His2Pro)

Gene: IFT172 (intraflagellar transport 172; minus strand). Cytogenetic location: 2p23.3.
Variant type: single nucleotide variant.
Coding change: c.5A>C on transcript NM_015662.3 (MANE Select); coding-DNA position 5, A replaced by C.
Protein change: p.His2Pro; replaces histidine 2 with proline.
Molecular consequence: missense variant.
Genome position (GRCh38, 1-based): chr2:27,489,649, T>G on the plus strand (A>C on the coding strand, the complement: IFT172 is on the minus strand). VCF-style: chr2-27489649-T-G. GRCh37 (hg19) VCF-style: chr2-27712516-T-G.
Other names: c.5A>C (NM_015662.2); short protein forms H2P.
Identifiers: ClinVar variation 998540 (VCV000998540.9), dbSNP rs781257867, ClinGen allele CA1581145.